The following is an entry in ClinVar:

NM_182641.4(BPTF):c.4269G>A (p.Leu1423=)

Gene: BPTF (bromodomain PHD finger transcription factor; plus strand). Cytogenetic location: 17q24.2.
Variant type: single nucleotide variant.
Coding change: c.4269G>A on transcript NM_182641.4 (MANE Select); coding-DNA position 4269, G replaced by A.
Protein change: p.Leu1423=; no amino-acid change (leucine 1423 retained).
Molecular consequence: synonymous variant.
Genome position (GRCh38, 1-based): chr17:67,912,153, G>A. VCF-style: chr17-67912153-G-A. GRCh37 (hg19) VCF-style: chr17-65908269-G-A.
Other names: c.4647G>A, p.Leu1549= (NM_004459.7).
Identifiers: ClinVar variation 2047304 (VCV002047304.29), dbSNP rs142570105, ClinGen allele CA8725770.

ClinVar aggregate classification (germline): Benign/Likely benign. Review status: criteria provided, multiple submitters, no conflicts (2 of 4 stars). 3 submissions from 3 submitters: Benign (1); Likely benign (2). Last evaluated 2026-07-01.

Allele frequency attached by ClinVar (database versions not stated): 1000 Genomes Project 0.00100; 1000 Genomes Project 30x 0.00125; TOPMed 0.00271; gnomAD 0.00277; ExAC 0.00286; ESP Exome Variant Server 0.00334; gnomAD exomes 0.00454.
gnomAD v4.1: 6,942 of 1,611,948 alleles (0.43%); highest among the groups gnomAD compares: Non-Finnish European, 0.55%; 22 homozygotes.

Submissions (3):

CeGaT Center for Human Genetics Tuebingen
Classification: Likely benign. Last evaluated: 2026-07-01. Review status: criteria provided, single submitter. Criteria: CeGaT Center For Human Genetics Tuebingen Variant Classification Criteria Version 2. Collection method: clinical testing. Allele origin: germline. Affected: yes. Observed: 12 variant alleles.
Comment: BPTF: BP4, BS2

Labcorp Genetics (formerly Invitae), Labcorp
Classification: Benign. Last evaluated: 2026-01-19. Review status: criteria provided, single submitter. Criteria: Invitae Variant Classification Sherloc (09022015). Collection method: clinical testing. Allele origin: germline.

Blueprint Genetics
Classification: Likely benign. Last evaluated: 2024-11-26. Review status: criteria provided, single submitter. Criteria: ACMG Guidelines, 2015. Collection method: clinical testing. Allele origin: germline.